The following is an entry in ClinVar:

NM_007294.4(BRCA1):c.4744G>A (p.Asp1582Asn)

Gene: BRCA1 (BRCA1 DNA repair associated; minus strand). Cytogenetic location: 17q21.31.
Variant type: single nucleotide variant.
Coding change: c.4744G>A on transcript NM_007294.4 (MANE Select); coding-DNA position 4744, G replaced by A.
Protein change: p.Asp1582Asn; replaces aspartic acid 1582 with asparagine.
Molecular consequence: missense variant. On other transcripts: non-coding transcript variant (1).
Genome position (GRCh38, 1-based): chr17:43,071,170, C>T on the plus strand (G>A on the coding strand, the complement: BRCA1 is on the minus strand). VCF-style: chr17-43071170-C-T. GRCh37 (hg19) VCF-style: chr17-41223187-C-T.
Other names: c.4741G>A, p.Asp1581Asn (NM_001407626.1, NM_001407858.1, NM_001407859.1 and 17 more transcripts); c.4738G>A, p.Asp1580Asn (NM_001407627.1, NM_001407628.1, NM_001407629.1 and 14 more transcripts); c.4735G>A, p.Asp1579Asn (NM_001407644.1, NM_001407645.1); c.4732G>A, p.Asp1578Asn (NM_001407646.1); c.4729G>A, p.Asp1577Asn (NM_001407647.1); c.4687G>A, p.Asp1563Asn (NM_001407648.1); c.4684G>A, p.Asp1562Asn (NM_001407649.1); c.4744G>A, p.Asp1582Asn (NM_001407652.1, NM_001407684.1, NM_001407854.1 and 8 more transcripts); and 70 more; short protein forms D1453N, D1469N, D1470N, D1494N, D1513N, D1535N, D1538N, D1541N.
Identifiers: ClinVar variation 1742791 (VCV001742791.5), dbSNP rs2153879003, ClinGen allele CA10592023.

ClinVar aggregate classification (germline): Uncertain significance. Review status: criteria provided, multiple submitters, no conflicts (2 of 4 stars). 2 submissions from 2 submitters: Uncertain significance (2). Last evaluated 2023-03-01.

Conditions:
Hereditary cancer-predisposing syndrome. Also called: Hereditary Cancer Syndrome; Hereditary neoplastic syndrome; Neoplastic Syndromes, Hereditary; Tumor predisposition. Identifiers: Orphanet 140162, MedGen C0027672, MeSH D009386, MONDO:0015356.
Hereditary breast ovarian cancer syndrome. Also called: Hereditary breast and ovarian cancer syndrome (HBOC); Hereditary breast and ovarian cancer syndrome; Breast and ovarian cancer; Hereditary breast and/or ovarian cancer syndrome; Hereditary breast and ovarian cancer; BRCA1- and BRCA2-Associated Hereditary Breast and Ovarian Cancer. Identifiers: Orphanet 145, MedGen C0677776, MeSH D061325, MONDO:0003582. Disease mechanism: loss of function.

Submissions (2):

Labcorp Genetics (formerly Invitae), Labcorp
Classification: Uncertain significance for Hereditary breast ovarian cancer syndrome. Last evaluated: 2023-03-01. Review status: criteria provided, single submitter. Criteria: Invitae Variant Classification Sherloc (09022015). Collection method: clinical testing. Allele origin: germline.
Comment: ClinVar contains an entry for this variant (Variation ID: 1742791). Advanced modeling of protein sequence and biophysical properties (such as structural, functional, and spatial information, amino acid conservation, physicochemical variation, residue mobility, and thermodynamic stability) performed at Invitae indicates that this missense variant is not expected to disrupt BRCA1 protein function. In summary, the available evidence is currently insufficient to determine the role of this variant in disease. Therefore, it has been classified as a Variant of Uncertain Significance. This variant has not been reported in the literature in individuals affected with BRCA1-related conditions. This variant is not present in population databases (gnomAD no frequency). This sequence change replaces aspartic acid, which is acidic and polar, with asparagine, which is neutral and polar, at codon 1582 of the BRCA1 protein (p.Asp1582Asn).

Ambry Genetics
Classification: Uncertain significance for Hereditary cancer-predisposing syndrome. Last evaluated: 2020-11-05. Review status: criteria provided, single submitter. Criteria: Ambry Variant Classification Scheme 2023. Collection method: clinical testing. Allele origin: germline.